The following is an entry in ClinVar:

ClinVar aggregate classification (germline): Uncertain significance (1 of 4 stars; one submission).

Conditions:
Emery-Dreifuss muscular dystrophy (EDMD). Also called: Scapuloperoneal syndrome, X-linked (formerly); Humeroperoneal neuromuscular disease, (formerly). Identifiers: Orphanet 261, MedGen C0410189, MONDO:0016830.

Allele frequency attached by ClinVar (database versions not stated): gnomAD exomes below 0.00001; TOPMed below 0.00001.
gnomAD v4.1: 4 of 1,610,976 alleles (0.00025%); highest among the groups gnomAD compares: South Asian, 0.0022%; no homozygotes.

Submission:

Labcorp Genetics (formerly Invitae), Labcorp
Classification: Uncertain significance for Emery-Dreifuss muscular dystrophy. Last evaluated: 2023-03-18. Review status: criteria provided, single submitter. Criteria: Invitae Variant Classification Sherloc (09022015). Collection method: clinical testing. Allele origin: germline.
Comment: An algorithm developed to predict the effect of missense changes on protein structure and function (PolyPhen-2) suggests that this variant is likely to be disruptive. In summary, the available evidence is currently insufficient to determine the role of this variant in disease. Therefore, it has been classified as a Variant of Uncertain Significance. This variant has not been reported in the literature in individuals affected with SUN2-related conditions. This sequence change replaces arginine, which is basic and polar, with cysteine, which is neutral and slightly polar, at codon 275 of the SUN2 protein (p.Arg275Cys). This variant is present in population databases (no rsID available, gnomAD 0.003%).

NM_015374.3(SUN2):c.823C>T (p.Arg275Cys)

Genes: GTPBP1 (GTP binding protein 1; plus strand), SUN2 (Sad1 and UNC84 domain containing 2; minus strand). Cytogenetic location: 22q13.1.
Variant type: single nucleotide variant.
Coding change: c.823C>T on transcript NM_015374.3 (MANE Select); coding-DNA position 823, C replaced by T.
Protein change: p.Arg275Cys; replaces arginine 275 with cysteine.
Molecular consequence: missense variant. On other transcripts: intron variant (3).
Genome position (GRCh38, 1-based): chr22:38,742,546, G>A on the plus strand (C>T on the coding strand, the complement: SUN2 is on the minus strand). VCF-style: chr22-38742546-G-A. GRCh37 (hg19) VCF-style: chr22-39138551-G-A.
Other names: c.886C>T, p.Arg296Cys (NM_001199579.2, NM_001394428.1); c.823C>T, p.Arg275Cys (NM_001199580.2, NM_001394431.1, NM_001394432.1 and 5 more transcripts); c.916C>T, p.Arg306Cys (NM_001394427.1); c.868C>T, p.Arg290Cys (NM_001394429.1, NM_001394430.1); c.733C>T, p.Arg245Cys (NM_001394438.1); c.685C>T, p.Arg229Cys (NM_001394439.1, NM_001394440.1, NM_001394441.1); c.331C>T, p.Arg111Cys (NM_001394443.1); c.615-2114C>T (NM_001394444.1, NM_001394445.1); and 1 more; short protein forms R275C, R296C, R306C, R111C, R229C, R245C, R290C.
Identifiers: ClinVar variation 2895501 (VCV002895501.3), dbSNP rs1403926673, ClinGen allele CA411585633.